The following is an entry in ClinVar:

NM_000038.6(APC):c.8007T>G (p.Pro2669=)

Gene: APC (APC regulator of Wnt signaling pathway; plus strand). Cytogenetic location: 5q22.2.
Variant type: single nucleotide variant.
Coding change: c.8007T>G on transcript NM_000038.6 (MANE Select); coding-DNA position 8007, T replaced by G.
Protein change: p.Pro2669=; no amino-acid change (proline 2669 retained).
Molecular consequence: synonymous variant. On other transcripts: non-coding transcript variant (2).
Genome position (GRCh38, 1-based): chr5:112,843,601, T>G. VCF-style: chr5-112843601-T-G. GRCh37 (hg19) VCF-style: chr5-112179298-T-G.
Other names: c.8007T>G, p.Pro2669= (NM_001127510.3, NM_001354895.2, NM_001407450.1); c.7953T>G, p.Pro2651= (NM_001127511.3); c.8061T>G, p.Pro2687= (NM_001354896.2, NM_001407447.1, NM_001407448.1 and 1 more transcripts); c.8037T>G, p.Pro2679= (NM_001354897.2); c.7932T>G, p.Pro2644= (NM_001354898.2); c.7923T>G, p.Pro2641= (NM_001354899.2); c.7884T>G, p.Pro2628= (NM_001354900.2); c.7830T>G, p.Pro2610= (NM_001354901.2, NM_001407453.1); and 11 more.
Identifiers: ClinVar variation 1761621 (VCV001761621.6), dbSNP rs1766621353, ClinGen allele CA446211011.
Genomic context (GRCh38, chr5:112,843,601, plus strand): 5'-TGCTGTTTCTAAAACAGAGGATGTTTGGGTGAGAATTGAGGACTGTCCCATTAACAATCC[T>G]AGATCTGGAAGATCTCCCACAGGTAATACTCCCCCGGTGATTGACAGTGTTTCAGAAAAG-3'
Protein context (NP_000029.2, residues 2659-2679): VRIEDCPINN[Pro2669=]RSGRSPTGNT

ClinVar aggregate classification (germline): Benign/Likely benign. Review status: criteria provided, multiple submitters, no conflicts (2 of 4 stars). 3 submissions from 3 submitters: Benign (1); Likely benign (2). Last evaluated 2024-04-11.

Conditions:
Hereditary cancer-predisposing syndrome. Also called: Neoplastic Syndromes, Hereditary; Tumor predisposition; Hereditary Cancer Syndrome; Hereditary neoplastic syndrome. Identifiers: Orphanet 140162, MedGen C0027672, MeSH D009386, MONDO:0015356.
Familial adenomatous polyposis 1 (FAP1). Also called: FAMILIAL ADENOMATOUS POLYPOSIS 1, ATTENUATED; POLYPOSIS, ADENOMATOUS INTESTINAL. Identifiers: MedGen C2713442, MONDO:0021056, OMIM 175100. Disease mechanism: loss of function.

gnomAD v4.1: 8 of 1,613,994 alleles (0.0005%); highest among the groups gnomAD compares: Non-Finnish European, 0.00068%; no homozygotes.

Submissions (3):

Myriad Genetics, Inc.
Classification: Benign for Familial adenomatous polyposis 1. Last evaluated: 2024-04-11. Review status: criteria provided, single submitter. Criteria: Myriad Autosomal Dominant, Autosomal Recessive and X-Linked Classification Criteria (2023). Collection method: clinical testing. Allele origin: unknown.
Comment: This variant is considered benign. This variant is a silent/synonymous amino acid change and it is not expected to impact splicing.

Labcorp Genetics (formerly Invitae), Labcorp
Classification: Likely benign for Familial adenomatous polyposis 1. Last evaluated: 2023-09-23. Review status: criteria provided, single submitter. Criteria: Invitae Variant Classification Sherloc (09022015). Collection method: clinical testing. Allele origin: germline.

Ambry Genetics
Classification: Likely benign for Hereditary cancer-predisposing syndrome. Last evaluated: 2019-07-26. Review status: criteria provided, single submitter. Criteria: Ambry Variant Classification Scheme 2023. Collection method: clinical testing. Allele origin: germline.